The following is an entry in ClinVar:

NM_024529.5(CDC73):c.838T>A (p.Leu280Met)

Gene: CDC73 (cell division cycle 73; plus strand). Cytogenetic location: 1q31.2.
Variant type: single nucleotide variant.
Coding change: c.838T>A on transcript NM_024529.5 (MANE Select); coding-DNA position 838, T replaced by A.
Protein change: p.Leu280Met; replaces leucine 280 with methionine.
Molecular consequence: missense variant.
Genome position (GRCh38, 1-based): chr1:193,150,313, T>A. VCF-style: chr1-193150313-T-A. GRCh37 (hg19) VCF-style: chr1-193119443-T-A.
Other names: short protein forms L280M.
Identifiers: ClinVar variation 2743525 (VCV002743525.3), dbSNP rs2527341436, ClinGen allele CA343964884.

ClinVar aggregate classification (germline): Uncertain significance (1 of 4 stars; one submission).

Conditions:
Parathyroid carcinoma (PRTC). Also called: CDC73-Related Parathyroid Carcinoma; Parathyroid gland carcinoma. Identifiers: Orphanet 143, MedGen C0687150, MONDO:0012004, OMIM 608266, HP:0006780.

gnomAD v4.1: 1 of 1,609,656 alleles (0.000062%); no homozygotes.

Submission:

Labcorp Genetics (formerly Invitae), Labcorp
Classification: Uncertain significance for Parathyroid carcinoma. Last evaluated: 2023-07-16. Review status: criteria provided, single submitter. Criteria: Invitae Variant Classification Sherloc (09022015). Collection method: clinical testing. Allele origin: germline.
Comment: Advanced modeling of protein sequence and biophysical properties (such as structural, functional, and spatial information, amino acid conservation, physicochemical variation, residue mobility, and thermodynamic stability) performed at Invitae indicates that this missense variant is not expected to disrupt CDC73 protein function. In summary, the available evidence is currently insufficient to determine the role of this variant in disease. Therefore, it has been classified as a Variant of Uncertain Significance. This variant has not been reported in the literature in individuals affected with CDC73-related conditions. This variant is not present in population databases (gnomAD no frequency). This sequence change replaces leucine, which is neutral and non-polar, with methionine, which is neutral and non-polar, at codon 280 of the CDC73 protein (p.Leu280Met).